The following is an entry in ClinVar:

NM_006231.4(POLE):c.6563C>T (p.Ser2188Phe)

Gene: POLE (DNA polymerase epsilon, catalytic subunit; minus strand). Cytogenetic location: 12q24.33.
Variant type: single nucleotide variant.
Coding change: c.6563C>T on transcript NM_006231.4 (MANE Select); coding-DNA position 6563, C replaced by T.
Protein change: p.Ser2188Phe; replaces serine 2188 with phenylalanine.
Molecular consequence: missense variant.
Genome position (GRCh38, 1-based): chr12:132,625,739, G>A on the plus strand (C>T on the coding strand, the complement: POLE is on the minus strand). VCF-style: chr12-132625739-G-A. GRCh37 (hg19) VCF-style: chr12-133202325-G-A.
Other names: short protein forms S2188F.
Identifiers: ClinVar variation 644319 (VCV000644319.8), dbSNP rs780307061, ClinGen allele CA387366825.
Genomic context (GRCh38, chr12:132,625,739, plus strand): 5'-TGTAGAACTTCCACCAGCGTCATCTCGATGGCAGAGGAGTCGTAGGGCGCCTGACAGTTG[G>A]AGCAGAGCCACTGAGGCAGGACCGCCCCATCCTAGGCAGAGCAAGAGTGCGAGAGGTCAC-3'
Protein context (NP_006222.2, residues 2178-2198): DGAVLPQWLC[Ser2188Phe]NCQAPYDSSA

ClinVar aggregate classification (germline): Uncertain significance (1 of 4 stars; one submission).

Submission:

Labcorp Genetics (formerly Invitae), Labcorp
Classification: Uncertain significance. Last evaluated: 2022-11-08. Review status: criteria provided, single submitter. Criteria: Invitae Variant Classification Sherloc (09022015). Collection method: clinical testing. Allele origin: germline.
Comment: This sequence change replaces serine, which is neutral and polar, with phenylalanine, which is neutral and non-polar, at codon 2188 of the POLE protein (p.Ser2188Phe). In summary, the available evidence is currently insufficient to determine the role of this variant in disease. Therefore, it has been classified as a Variant of Uncertain Significance. Advanced modeling of protein sequence and biophysical properties (such as structural, functional, and spatial information, amino acid conservation, physicochemical variation, residue mobility, and thermodynamic stability) performed at Invitae indicates that this missense variant is not expected to disrupt POLE protein function. ClinVar contains an entry for this variant (Variation ID: 644319). This variant has not been reported in the literature in individuals affected with POLE-related conditions. This variant is not present in population databases (gnomAD no frequency).